The following is an entry in ClinVar:

ClinVar aggregate classification (germline): Uncertain significance (1 of 4 stars; one submission).

Conditions:
COG8-congenital disorder of glycosylation. Also called: COG8-CDG; CDG IIh. Identifiers: Orphanet 95428, MedGen C1970021, MONDO:0012635, OMIM 611182.

Allele frequency attached by ClinVar (database versions not stated): gnomAD 0.00001; 1000 Genomes Project 30x 0.00016; 1000 Genomes Project 0.00020.
gnomAD v4.1: 11 of 1,597,818 alleles (0.00069%); highest among the groups gnomAD compares: Non-Finnish European, 0.00085%; no homozygotes.

Submission:

Labcorp Genetics (formerly Invitae), Labcorp
Classification: Uncertain significance for COG8-congenital disorder of glycosylation. Last evaluated: 2025-12-30. Review status: criteria provided, single submitter. Criteria: Invitae Variant Classification Sherloc (09022015). Collection method: clinical testing. Allele origin: germline.
Comment: This sequence change replaces glutamic acid, which is acidic and polar, with glutamine, which is neutral and polar, at codon 200 of the COG8 protein (p.Glu200Gln). The frequency data for this variant in the population databases is considered unreliable, as metrics indicate poor data quality at this position in the gnomAD database. This variant has not been reported in the literature in individuals affected with COG8-related conditions. ClinVar contains an entry for this variant (Variation ID: 2058233). Invitae Evidence Modeling of protein sequence and biophysical properties (such as structural, functional, and spatial information, amino acid conservation, physicochemical variation, residue mobility, and thermodynamic stability) indicates that this missense variant is not expected to disrupt COG8 protein function with a negative predictive value of 80%. In summary, the available evidence is currently insufficient to determine the role of this variant in disease. Therefore, it has been classified as a Variant of Uncertain Significance.

NM_032382.5(COG8):c.598G>C (p.Glu200Gln)

Gene: COG8 (component of oligomeric golgi complex 8; minus strand). Cytogenetic location: 16q22.1.
Variant type: single nucleotide variant.
Coding change: c.598G>C on transcript NM_032382.5 (MANE Select); coding-DNA position 598, G replaced by C.
Protein change: p.Glu200Gln; replaces glutamic acid 200 with glutamine.
Molecular consequence: missense variant.
Genome position (GRCh38, 1-based): chr16:69,335,336, C>G on the plus strand (G>C on the coding strand, the complement: COG8 is on the minus strand). VCF-style: chr16-69335336-C-G. GRCh37 (hg19) VCF-style: chr16-69369239-C-G.
Other names: c.598G>C, p.Glu200Gln (NM_001374871.1, NM_001379261.1, NM_001379262.1 and 4 more transcripts); short protein forms E200Q.
Identifiers: ClinVar variation 2058233 (VCV002058233.4), dbSNP rs569124919, ClinGen allele CA8133901.